The following is an entry in ClinVar:

ClinVar aggregate classification (germline): Likely benign. Review status: criteria provided, multiple submitters, no conflicts (2 of 4 stars). 4 submissions from 4 submitters: Likely benign (4). Last evaluated 2022-04-29.

Conditions:
Hereditary cancer-predisposing syndrome. Also called: Tumor predisposition; Hereditary neoplastic syndrome; Neoplastic Syndromes, Hereditary; Hereditary Cancer Syndrome. Identifiers: Orphanet 140162, MedGen C0027672, MeSH D009386, MONDO:0015356.

Allele frequency attached by ClinVar (database versions not stated): gnomAD exomes below 0.00001 and 0.00002; TOPMed below 0.00001; ExAC 0.00001.
gnomAD v4.1: 5 of 1,613,936 alleles (0.00031%); highest among the groups gnomAD compares: Middle Eastern, 0.016%; no homozygotes.

Submissions (4):

Labcorp Genetics (formerly Invitae), Labcorp
Classification: Likely benign. Last evaluated: 2022-04-29. Review status: criteria provided, single submitter. Criteria: Invitae Variant Classification Sherloc (09022015). Collection method: clinical testing. Allele origin: germline.

Genetic Services Laboratory, University of Chicago
Classification: Likely benign. Last evaluated: 2021-01-06. Review status: criteria provided, single submitter. Criteria: ACMG Guidelines, 2015. Collection method: clinical testing. Allele origin: germline. Affected: no.

Ambry Genetics
Classification: Likely benign for Hereditary cancer-predisposing syndrome. Last evaluated: 2019-02-19. Review status: criteria provided, single submitter. Criteria: Ambry Variant Classification Scheme 2023. Collection method: clinical testing. Allele origin: germline.

GeneDx
Classification: Likely benign. Last evaluated: 2016-04-28. Review status: criteria provided, single submitter. Criteria: GeneDx Variant Classification (06012015). Collection method: clinical testing. Allele origin: germline. Affected: yes.
Comment: This variant is considered likely benign or benign based on one or more of the following criteria: it is a conservative change, it occurs at a poorly conserved position in the protein, it is predicted to be benign by multiple in silico algorithms, and/or has population frequency not consistent with disease.

NM_005431.2(XRCC2):c.264T>C (p.Asp88=)

Gene: XRCC2 (X-ray repair cross complementing 2; minus strand). Cytogenetic location: 7q36.1.
Variant type: single nucleotide variant.
Coding change: c.264T>C on transcript NM_005431.2 (MANE Select); coding-DNA position 264, T replaced by C.
Protein change: p.Asp88=; no amino-acid change (aspartic acid 88 retained).
Molecular consequence: synonymous variant.
Genome position (GRCh38, 1-based): chr7:152,649,221, A>G on the plus strand (T>C on the coding strand, the complement: XRCC2 is on the minus strand). VCF-style: chr7-152649221-A-G. GRCh37 (hg19) VCF-style: chr7-152346306-A-G.
Identifiers: ClinVar variation 378864 (VCV000378864.17), dbSNP rs769940007, ClinGen allele CA4582364.